The following is an entry in ClinVar:

ClinVar aggregate classification (germline): Uncertain significance. Review status: criteria provided, multiple submitters, no conflicts (2 of 4 stars). 4 submissions from 4 submitters: Uncertain significance (4). Last evaluated 2025-06-15.

Conditions:
Inborn genetic diseases. Identifiers: MedGen C0950123, MeSH D030342.
Myelodysplastic syndrome (MDS). Also called: MYELODYSPLASTIC SYNDROME, SUSCEPTIBILITY TO; Myelodysplastic syndrome, somatic; Myelodysplastic syndromes. Identifiers: Orphanet 52688, MedGen C3463824, MeSH D009190, MONDO:0018881, OMIM 614286.
Monocytopenia with susceptibility to infections. Also called: MONOCYTOPENIA AND MYCOBACTERIAL INFECTION SYNDROME; MONOCYTOPENIA WITH SUSCEPTIBILITY TO MYCOBACTERIAL, FUNGAL, AND PAPILLOMAVIRUS INFECTIONS AND MYELODYSPLASIA; COMBINED IMMUNODEFICIENCY WITH SUSCEPTIBILITY TO MYCOBACTERIAL, VIRAL, AND FUNGAL INFECTIONS; Dendritic cell, monocyte, B lymphocyte, and natural killer lymphocyte deficiency; IMMUNODEFICIENCY 21; GATA2 DEFICIENCY. Identifiers: Orphanet 228423, MedGen C3280030, MONDO:0013607, OMIM 614172.
Acute myeloid leukemia (AML). Also called: Acute myeloid leukemia, adult; AML adult; Acute non-lymphocytic leukemia; Acute granulocytic leukemia; Leukemia, acute myeloid, somatic; Leukemia, acute myelogenous, somatic. Identifiers: Orphanet 519, MedGen C0023467, MeSH D015470, MONDO:0018874, OMIM 601626, HP:0004808. Disease mechanism: Constitutively activated FLT3.
Deafness-lymphedema-leukemia syndrome. Also called: Lymphedema, primary, with myelodysplasia; Emberger syndrome. Identifiers: Orphanet 3226, MedGen C3279664, MONDO:0013540, OMIM 614038.

Submissions (4):

Labcorp Genetics (formerly Invitae), Labcorp
Classification: Uncertain significance for Monocytopenia with susceptibility to infections; Deafness-lymphedema-leukemia syndrome. Last evaluated: 2025-06-15. Review status: criteria provided, single submitter. Criteria: Invitae Variant Classification Sherloc (09022015). Collection method: clinical testing. Allele origin: germline.
Comment: This sequence change replaces histidine, which is basic and polar, with arginine, which is basic and polar, at codon 258 of the GATA2 protein (p.His258Arg). This variant is not present in population databases (gnomAD no frequency). This variant has not been reported in the literature in individuals affected with GATA2-related conditions. ClinVar contains an entry for this variant (Variation ID: 3241686). Invitae Evidence Modeling of protein sequence and biophysical properties (such as structural, functional, and spatial information, amino acid conservation, physicochemical variation, residue mobility, and thermodynamic stability) has been performed for this missense variant. However, the output from this modeling did not meet the statistical confidence thresholds required to predict the impact of this variant on GATA2 protein function. In summary, the available evidence is currently insufficient to determine the role of this variant in disease. Therefore, it has been classified as a Variant of Uncertain Significance.

Ambry Genetics
Classification: Uncertain significance for Inborn genetic diseases. Last evaluated: 2025-01-11. Review status: criteria provided, single submitter. Criteria: Ambry Variant Classification Scheme 2023. Collection method: clinical testing. Allele origin: germline.
Comment: The p.H258R variant (also known as c.773A>G), located in coding exon 2 of the GATA2 gene, results from an A to G substitution at nucleotide position 773. The histidine at codon 258 is replaced by arginine, an amino acid with highly similar properties. This amino acid position is conserved. In addition, the in silico prediction for this alteration is inconclusive. Based on the available evidence, the clinical significance of this variant remains unclear.

Fulgent Genetics
Classification: Uncertain significance for Acute myeloid leukemia; Deafness-lymphedema-leukemia syndrome; Monocytopenia with susceptibility to infections; Myelodysplastic syndrome. Last evaluated: 2024-01-08. Review status: criteria provided, single submitter. Criteria: ACMG Guidelines, 2015. Collection method: clinical testing. Allele origin: germline.

Baylor Genetics
Classification: Uncertain significance for Acute myeloid leukemia. Last evaluated: 2023-12-01. Review status: criteria provided, single submitter. Criteria: ACMG Guidelines, 2015. Collection method: clinical testing. Allele origin: unknown.

NM_032638.5(GATA2):c.773A>G (p.His258Arg)

Gene: GATA2 (GATA binding protein 2; minus strand). Cytogenetic location: 3q21.3.
Variant type: single nucleotide variant.
Coding change: c.773A>G on transcript NM_032638.5 (MANE Select); coding-DNA position 773, A replaced by G.
Protein change: p.His258Arg; replaces histidine 258 with arginine.
Molecular consequence: missense variant.
Genome position (GRCh38, 1-based): chr3:128,485,825, T>C on the plus strand (A>G on the coding strand, the complement: GATA2 is on the minus strand). VCF-style: chr3-128485825-T-C. GRCh37 (hg19) VCF-style: chr3-128204668-T-C.
Other names: c.773A>G, p.His258Arg (NM_001145661.2, NM_001145662.1); short protein forms H258R.
Identifiers: ClinVar variation 3241686 (VCV003241686.4), dbSNP rs2472930025.